The following is an entry in ClinVar:

ClinVar aggregate classification (germline): Uncertain significance. Review status: criteria provided, multiple submitters, no conflicts (2 of 4 stars). 2 submissions from 2 submitters: Uncertain significance (2). Last evaluated 2024-03-22.

Allele frequency attached by ClinVar (database versions not stated): gnomAD exomes below 0.00001; ExAC 0.00001.
gnomAD v4.1: 6 of 1,614,190 alleles (0.00037%); highest among the groups gnomAD compares: South Asian, 0.0066%; no homozygotes.

Submissions (2):

Ambry Genetics
Classification: Uncertain significance. Last evaluated: 2024-03-22. Review status: criteria provided, single submitter. Criteria: Ambry Variant Classification Scheme 2023. Collection method: clinical testing. Allele origin: germline.
Comment: The p.M677V variant (also known as c.2029A>G), located in coding exon 13 of the RINT1 gene, results from an A to G substitution at nucleotide position 2029. The methionine at codon 677 is replaced by valine, an amino acid with highly similar properties. This amino acid position is conserved. In addition, this alteration is predicted to be tolerated by in silico analysis. Since supporting evidence is limited at this time, the clinical significance of this alteration remains unclear.

Labcorp Genetics (formerly Invitae), Labcorp
Classification: Uncertain significance. Last evaluated: 2022-07-12. Review status: criteria provided, single submitter. Criteria: Invitae Variant Classification Sherloc (09022015). Collection method: clinical testing. Allele origin: germline.
Comment: In summary, the available evidence is currently insufficient to determine the role of this variant in disease. Therefore, it has been classified as a Variant of Uncertain Significance. Algorithms developed to predict the effect of sequence changes on RNA splicing suggest that this variant may create or strengthen a splice site. Algorithms developed to predict the effect of missense changes on protein structure and function (SIFT, PolyPhen-2, Align-GVGD) all suggest that this variant is likely to be tolerated. ClinVar contains an entry for this variant (Variation ID: 946207). This variant has not been reported in the literature in individuals affected with RINT1-related conditions. This variant is present in population databases (rs758518451, gnomAD 0.003%). This sequence change replaces methionine, which is neutral and non-polar, with valine, which is neutral and non-polar, at codon 677 of the RINT1 protein (p.Met677Val).

NM_021930.6(RINT1):c.2029A>G (p.Met677Val)

Genes: EFCAB10 (EF-hand calcium binding domain 10; minus strand), RINT1 (RAD50 interactor 1; plus strand). Cytogenetic location: 7q22.3.
Variant type: single nucleotide variant.
Coding change: c.2029A>G on transcript NM_021930.6 (MANE Select); coding-DNA position 2029, A replaced by G.
Protein change: p.Met677Val; replaces methionine 677 with valine.
Molecular consequence: missense variant. On other transcripts: 3 prime UTR variant (2), non-coding transcript variant (1).
Genome position (GRCh38, 1-based): chr7:105,565,419, A>G. VCF-style: chr7-105565419-A-G. GRCh37 (hg19) VCF-style: chr7-105205866-A-G.
Other names: c.*28T>C (NM_001355526.2); c.*130T>C (NM_001355530.2); c.388T>C, p.Phe130Leu (NM_001355531.2); c.1795A>G, p.Met599Val (NM_001346599.2); c.1006A>G, p.Met336Val (NM_001346600.2, NM_001346603.2); c.1105A>G, p.Met369Val (NM_001346601.2); short protein forms M599V, M677V, M336V, M369V, F130L.
Identifiers: ClinVar variation 946207 (VCV000946207.12), dbSNP rs758518451, ClinGen allele CA4426842.